The following is an entry in ClinVar:

NM_005002.5(NDUFA9):c.552+276A>G

Gene: NDUFA9 (NADH:ubiquinone oxidoreductase subunit A9; plus strand). Cytogenetic location: 12p13.32.
Variant type: single nucleotide variant.
Coding change: c.552+276A>G on transcript NM_005002.5 (MANE Select); 276 bases into the intron after coding-DNA position 552, A replaced by G.
Molecular consequence: intron variant.
Genome position (GRCh38, 1-based): chr12:4,659,453, A>G. VCF-style: chr12-4659453-A-G. GRCh37 (hg19) VCF-style: chr12-4768619-A-G.
Identifiers: ClinVar variation 682712 (VCV000682712.1), dbSNP rs7972920, ClinGen allele CA13743901.

ClinVar aggregate classification (germline): Benign (1 of 4 stars; one submission).

Allele frequency attached by ClinVar (database versions not stated): TOPMed 0.69043; gnomAD 0.69174 and 0.69890; 1000 Genomes Project 30x 0.72673; 1000 Genomes Project 0.73063.
gnomAD v4.1: 106,257 of 152,082 alleles (70%); highest among the groups gnomAD compares: South Asian, 83%; 37,587 homozygotes.

Submission:

GeneDx
Classification: Benign. Last evaluated: 2018-06-14. Review status: criteria provided, single submitter. Criteria: GeneDx Variant Classification (06012015). Collection method: clinical testing. Allele origin: germline. Affected: yes.
Comment: This variant is considered likely benign or benign based on one or more of the following criteria: it is a conservative change, it occurs at a poorly conserved position in the protein, it is predicted to be benign by multiple in silico algorithms, and/or has population frequency not consistent with disease.